The following is an entry in ClinVar:

NM_003672.4(CDC14A):c.1755+108del

Gene: CDC14A (cell division cycle 14A; plus strand). Cytogenetic location: 1p21.2.
Variant type: Deletion.
Coding change: c.1755+108del on transcript NM_003672.4 (MANE Select); 108 bases into the intron after coding-DNA position 1755, one base deleted (A; older notation c.1755+108delA).
Molecular consequence: intron variant. On other transcripts: frameshift variant (3).
Genome position (GRCh38, 1-based): chr1:100,499,370, A deleted; the last of 2 consecutive A bases (chr1:100,499,369-100,499,370); deleting either gives the same sequence. VCF-style (leftmost placement, unchanged base first): chr1-100499368-GA-G. GRCh37 (hg19) VCF-style: chr1-100964924-GA-G.
Other names: c.1689del, p.Ala564fs (NM_001319211.2); c.984del, p.Ala329fs (NM_001319212.2); c.1863del, p.Ala622fs (NM_033312.3); c.1755+108del (NM_001319210.2); short protein forms A622fs, A329fs, A564fs.
Identifiers: ClinVar variation 1385461 (VCV001385461.6), dbSNP rs2101444854, ClinGen allele CA2573130849.

ClinVar aggregate classification (germline): Uncertain significance (1 of 4 stars; one submission).

Submission:

Labcorp Genetics (formerly Invitae), Labcorp
Classification: Uncertain significance. Last evaluated: 2021-10-09. Review status: criteria provided, single submitter. Criteria: Invitae Variant Classification Sherloc (09022015). Collection method: clinical testing. Allele origin: germline.
Comment: Experimental studies and prediction algorithms are not available or were not evaluated, and the functional significance of this variant is currently unknown. This variant has not been reported in the literature in individuals affected with CDC14A-related conditions. This variant is not present in population databases (ExAC no frequency). This sequence change results in a frameshift in the CDC14A gene (p.Ala622Profs*11). While this is not anticipated to result in nonsense mediated decay, it is expected to disrupt the last 2 amino acid(s) of the CDC14A protein and extend the protein by 8 additional amino acid residues. In summary, the available evidence is currently insufficient to determine the role of this variant in disease. Therefore, it has been classified as a Variant of Uncertain Significance.